The following is an entry in ClinVar:

NM_000143.4(FH):c.267+4A>C

Gene: FH (fumarate hydratase; minus strand). Cytogenetic location: 1q43.
Variant type: single nucleotide variant.
Coding change: c.267+4A>C on transcript NM_000143.4 (MANE Select); 4 bases into the intron after coding-DNA position 267, A replaced by C.
Molecular consequence: intron variant.
Genome position (GRCh38, 1-based): chr1:241,517,178, T>G on the plus strand (A>C on the coding strand, the complement: FH is on the minus strand). VCF-style: chr1-241517178-T-G. GRCh37 (hg19) VCF-style: chr1-241680478-T-G.
Identifiers: ClinVar variation 2704068 (VCV002704068.3), dbSNP rs2527340107, ClinGen allele CA2697547763.

ClinVar aggregate classification (germline): Uncertain significance (1 of 4 stars; one submission).

Submission:

Labcorp Genetics (formerly Invitae), Labcorp
Classification: Uncertain significance. Last evaluated: 2023-12-19. Review status: criteria provided, single submitter. Criteria: Invitae Variant Classification Sherloc (09022015). Collection method: clinical testing. Allele origin: germline.
Comment: This sequence change falls in intron 2 of the FH gene. It does not directly change the encoded amino acid sequence of the FH protein. It affects a nucleotide within the consensus splice site. This variant is not present in population databases (gnomAD no frequency). This variant has not been reported in the literature in individuals affected with FH-related conditions. Variants that disrupt the consensus splice site are a relatively common cause of aberrant splicing (PMID: 17576681, 9536098). Algorithms developed to predict the effect of sequence changes on RNA splicing suggest that this variant is not likely to affect RNA splicing. In summary, the available evidence is currently insufficient to determine the role of this variant in disease. Therefore, it has been classified as a Variant of Uncertain Significance.

Literature cited by the submitters: PubMed 17576681; PubMed 9536098.